The following is an entry in ClinVar:

NM_004260.4(RECQL4):c.2872G>A (p.Ala958Thr)

Gene: RECQL4 (RecQ like helicase 4; minus strand). Cytogenetic location: 8q24.3.
Variant type: single nucleotide variant.
Coding change: c.2872G>A on transcript NM_004260.4 (MANE Select); coding-DNA position 2872, G replaced by A.
Protein change: p.Ala958Thr; replaces alanine 958 with threonine.
Molecular consequence: missense variant.
Genome position (GRCh38, 1-based): chr8:144,512,655, C>T on the plus strand (G>A on the coding strand, the complement: RECQL4 is on the minus strand). VCF-style: chr8-144512655-C-T. GRCh37 (hg19) VCF-style: chr8-145738038-C-T.
Other names: short protein forms A958T.
Identifiers: ClinVar variation 568206 (VCV000568206.10), dbSNP rs1564791450, ClinGen allele CA372673877.

ClinVar aggregate classification (germline): Uncertain significance. Review status: criteria provided, multiple submitters, no conflicts (2 of 4 stars). 2 submissions from 2 submitters: Uncertain significance (2). Last evaluated 2025-12-15.

Conditions:
Baller-Gerold syndrome (BGS). Also called: CRANIOSYNOSTOSIS WITH RADIAL DEFECTS. Identifiers: Orphanet 1225, MedGen C0265308, MONDO:0009039, OMIM 218600.
Inborn genetic diseases. Identifiers: MedGen C0950123, MeSH D030342.

Allele frequency attached by ClinVar (database versions not stated): gnomAD exomes 0.00001.
gnomAD v4.1: 9 of 1,612,518 alleles (0.00056%); highest among the groups gnomAD compares: Non-Finnish European, 0.00068%; no homozygotes.

Submissions (2):

Ambry Genetics
Classification: Uncertain significance for Inborn genetic diseases. Last evaluated: 2025-12-15. Review status: criteria provided, single submitter. Criteria: Ambry Variant Classification Scheme 2023. Collection method: clinical testing. Allele origin: germline.

Labcorp Genetics (formerly Invitae), Labcorp
Classification: Uncertain significance for Baller-Gerold syndrome. Last evaluated: 2022-11-28. Review status: criteria provided, single submitter. Criteria: Invitae Variant Classification Sherloc (09022015). Collection method: clinical testing. Allele origin: germline.
Comment: Advanced modeling of protein sequence and biophysical properties (such as structural, functional, and spatial information, amino acid conservation, physicochemical variation, residue mobility, and thermodynamic stability) performed at Invitae indicates that this missense variant is not expected to disrupt RECQL4 protein function. In summary, the available evidence is currently insufficient to determine the role of this variant in disease. Therefore, it has been classified as a Variant of Uncertain Significance. This sequence change replaces alanine, which is neutral and non-polar, with threonine, which is neutral and polar, at codon 958 of the RECQL4 protein (p.Ala958Thr). This variant is not present in population databases (gnomAD no frequency). This variant has not been reported in the literature in individuals affected with RECQL4-related conditions. ClinVar contains an entry for this variant (Variation ID: 568206).